The following is an entry in ClinVar:

NM_000090.4(COL3A1):c.1927T>C (p.Leu643=)

Gene: COL3A1 (collagen type III alpha 1 chain; plus strand). Cytogenetic location: 2q32.2.
Variant type: single nucleotide variant.
Coding change: c.1927T>C on transcript NM_000090.4 (MANE Select); coding-DNA position 1927, T replaced by C.
Protein change: p.Leu643=; no amino-acid change (leucine 643 retained).
Molecular consequence: synonymous variant.
Genome position (GRCh38, 1-based): chr2:188,998,269, T>C. VCF-style: chr2-188998269-T-C. GRCh37 (hg19) VCF-style: chr2-189862995-T-C.
Other names: p.L643L:TTG>CTG; p.Leu643=.
Identifiers: ClinVar variation 136849 (VCV000136849.107), dbSNP rs41263757, ClinGen allele CA004760.

ClinVar aggregate classification (germline): Benign/Likely benign. Review status: criteria provided, multiple submitters, no conflicts (2 of 4 stars). 17 submissions from 17 submitters: Benign (13); Likely benign (2). 2 of the submissions do not count toward it. Last evaluated 2026-10-01.

Conditions:
Ehlers-Danlos syndrome (EDS). Identifiers: Orphanet 98249, MedGen C0013720, MONDO:0020066.
Familial thoracic aortic aneurysm and aortic dissection (TAAD). Also called: Thoracic aortic aneurysms and dissections. Identifiers: Orphanet 91387, MedGen C4707243, MONDO:0019625.
Ehlers-Danlos syndrome, type 4 (EDSVASC). Also called: Ehlers-Danlos syndrome vascular type; Ehlers Danlos syndrome, ecchymotic type; Ehlers Danlos syndrome, arterial type; Ehlers Danlos syndrome, Sack-Barabas type; Ehlers-Danlos Syndrome Type IV. Identifiers: Orphanet 286, MedGen C0268338, MONDO:0017314, OMIM 130050.

Allele frequency attached by ClinVar (database versions not stated): TOPMed 0.00133; ESP Exome Variant Server 0.00154; 1000 Genomes Project 0.00180; 1000 Genomes Project 30x 0.00187; gnomAD exomes 0.00197 and 0.00238; gnomAD 0.00240 and 0.00244; ExAC 0.00243.
gnomAD v4.1: 3,226 of 1,613,572 alleles (0.2%); highest among the groups gnomAD compares: Admixed American, 0.22%; 11 homozygotes.

Submissions (17):

CeGaT Center for Human Genetics Tuebingen
Classification: Likely benign. Last evaluated: 2026-10-01. Review status: criteria provided, single submitter. Criteria: CeGaT Center For Human Genetics Tuebingen Variant Classification Criteria Version 2. Collection method: clinical testing. Allele origin: germline. Affected: yes. Observed: 20 variant alleles.
Comment: COL3A1: BP4, BP7

Labcorp Genetics (formerly Invitae), Labcorp
Classification: Benign for Ehlers-Danlos syndrome, type 4. Last evaluated: 2026-02-03. Review status: criteria provided, single submitter. Criteria: Invitae Variant Classification Sherloc (09022015). Collection method: clinical testing. Allele origin: germline.

Molecular Diagnostic Laboratory for Inherited Cardiovascular Disease, Montreal Heart Institute
Classification: Benign. Last evaluated: 2025-04-09. Review status: criteria provided, single submitter. Criteria: ACMG Guidelines, 2015. Collection method: clinical testing. Allele origin: germline. Affected: no.

Blueprint Genetics
Classification: Likely benign. Last evaluated: 2024-11-21. Review status: criteria provided, single submitter. Criteria: ACMG Guidelines, 2015. Collection method: clinical testing. Allele origin: germline.

CHEO Genetics Diagnostic Laboratory, Children's Hospital of Eastern Ontario
Classification: Benign for Familial thoracic aortic aneurysm and aortic dissection. Last evaluated: 2023-03-10. Review status: criteria provided, single submitter. Criteria: ACMG Guidelines, 2015. Collection method: clinical testing. Allele origin: germline.

ARUP Laboratories, Molecular Genetics and Genomics, ARUP Laboratories
Classification: Benign. Last evaluated: 2023-03-02. Review status: criteria provided, single submitter. Criteria: ARUP Molecular Germline Variant Investigation Process 2024. Collection method: clinical testing. Allele origin: germline.

Genome Diagnostics Laboratory, The Hospital for Sick Children
Classification: Benign for Ehlers-Danlos syndrome. Last evaluated: 2021-07-26. Review status: criteria provided, single submitter. Criteria: ACMG Guidelines, 2015. Collection method: clinical testing. Allele origin: germline.

Mayo Clinic Laboratories, Mayo Clinic
Classification: Benign. Last evaluated: 2019-03-27. Review status: criteria provided, single submitter. Criteria: ACMG Guidelines, 2015. Collection method: clinical testing. Allele origin: germline. Observed: 14 variant alleles.

Color Diagnostics, LLC DBA Color Health
Classification: Benign for Familial thoracic aortic aneurysm and aortic dissection. Last evaluated: 2018-03-14. Review status: criteria provided, single submitter. Criteria: ACMG Guidelines, 2015. Collection method: clinical testing. Allele origin: germline.

Illumina Laboratory Services, Illumina
Classification: Benign for Ehlers-Danlos syndrome, type 4. Last evaluated: 2018-01-13. Review status: criteria provided, single submitter. Criteria: ICSL Variant Classification Criteria 13 December 2019. Collection method: clinical testing. Allele origin: germline.
Comment: This variant was observed in the ICSL laboratory as part of a predisposition screen in an ostensibly healthy population. It had not been previously curated by ICSL or reported in the Human Gene Mutation Database (HGMD: prior to June 1st, 2018), and was therefore a candidate for classification through an automated scoring system. Utilizing variant allele frequency, disease prevalence and penetrance estimates, and inheritance mode, an automated score was calculated to assess if this variant is too frequent to cause the disease. Based on the score and internal cut-off values, a variant classified as benign is not then subjected to further curation. The score for this variant resulted in a classification of benign for this disease.

Women's Health and Genetics/Laboratory Corporation of America, LabCorp
Classification: Benign. Last evaluated: 2017-02-06. Review status: criteria provided, single submitter. Criteria: LabCorp Variant Classification Summary - May 2015. Collection method: clinical testing. Allele origin: germline.
Comment: Variant summary: The COL3A1 c.1927T>C (p.Leu643Leu) variant involves the alteration of a non-conserved nucleotide, resulting in a synonymous change. One in silico tool predicts a damaging outcome for this variant. 5/5 splice prediction tools predict no significant impact on normal splicing. ESE finder predicts that this variant may create a novel ESE site of SF2/ASF. However, these predictions have yet to be confirmed by functional studies. This variant was found in 284/116860 control chromosomes (2 homozygotes) at a frequency of 0.0024303, which is approximately 1944 times the estimated maximal expected allele frequency of a pathogenic COL3A1 variant (0.0000013), suggesting this variant is likely a benign polymorphism. In addition, multiple clinical diagnostic laboratories/reputable databases classified this variant as benign. Taken together, this variant is classified as benign.

Eurofins Ntd Llc (ga)
Classification: Benign. Last evaluated: 2016-02-26. Review status: criteria provided, single submitter. Criteria: EGL Classification Definitions 2015. Collection method: clinical testing. Allele origin: germline. Observed: 1 variant allele, 1 heterozygote.

Ambry Genetics
Classification: Benign for Familial thoracic aortic aneurysm and aortic dissection. Last evaluated: 2016-01-12. Review status: criteria provided, single submitter. Criteria: Ambry Variant Classification Scheme 2023. Collection method: clinical testing. Allele origin: germline.

GeneDx
Classification: Benign. Last evaluated: 2013-05-09. Review status: criteria provided, single submitter. Criteria: GeneDx Variant Classification (06012015). Collection method: clinical testing. Allele origin: germline. Affected: yes.
Comment: This variant is considered likely benign or benign based on one or more of the following criteria: it is a conservative change, it occurs at a poorly conserved position in the protein, it is predicted to be benign by multiple in silico algorithms, and/or has population frequency not consistent with disease.

PreventionGenetics, part of Exact Sciences
Classification: Benign. Review status: criteria provided, single submitter. Criteria: ACMG Guidelines, 2015. Collection method: clinical testing. Allele origin: germline.

Clinical Genetics DNA and cytogenetics Diagnostics Lab, Erasmus MC, Erasmus Medical Center
Classification: Likely benign. Review status: no assertion criteria provided. Collection method: clinical testing. Allele origin: germline. Affected: yes. Study: VKGL Data-share Consensus. Not counted in ClinVar's aggregate classification.

Genome Diagnostics Laboratory, Amsterdam University Medical Center
Classification: Benign. Review status: no assertion criteria provided. Collection method: clinical testing. Allele origin: germline. Affected: yes. Study: VKGL Data-share Consensus. Not counted in ClinVar's aggregate classification.